The following is an entry in ClinVar:

ClinVar aggregate classification (germline): Uncertain significance (1 of 4 stars; one submission).

Allele frequency attached by ClinVar (database versions not stated): gnomAD exomes below 0.00001 and 0.00001; ExAC 0.00001; gnomAD 0.00001.
gnomAD v4.1: 4 of 1,611,416 alleles (0.00025%); highest among the groups gnomAD compares: East Asian, 0.0089%; no homozygotes.

Submission:

Labcorp Genetics (formerly Invitae), Labcorp
Classification: Uncertain significance. Last evaluated: 2024-09-15. Review status: criteria provided, single submitter. Criteria: Invitae Variant Classification Sherloc (09022015). Collection method: clinical testing. Allele origin: germline.
Comment: This sequence change replaces aspartic acid, which is acidic and polar, with glycine, which is neutral and non-polar, at codon 72 of the CAPN5 protein (p.Asp72Gly). This variant is present in population databases (rs782205506, gnomAD 0.02%). This variant has not been reported in the literature in individuals affected with CAPN5-related conditions. ClinVar contains an entry for this variant (Variation ID: 1355460). Invitae Evidence Modeling of protein sequence and biophysical properties (such as structural, functional, and spatial information, amino acid conservation, physicochemical variation, residue mobility, and thermodynamic stability) indicates that this missense variant is expected to disrupt CAPN5 protein function with a positive predictive value of 80%. In summary, the available evidence is currently insufficient to determine the role of this variant in disease. Therefore, it has been classified as a Variant of Uncertain Significance.

NM_004055.5(CAPN5):c.215A>G (p.Asp72Gly)

Gene: CAPN5 (calpain 5; plus strand). Cytogenetic location: 11q13.5.
Variant type: single nucleotide variant.
Coding change: c.215A>G on transcript NM_004055.5 (MANE Select); coding-DNA position 215, A replaced by G.
Protein change: p.Asp72Gly; replaces aspartic acid 72 with glycine.
Molecular consequence: missense variant.
Genome position (GRCh38, 1-based): chr11:77,093,731, A>G. VCF-style: chr11-77093731-A-G. GRCh37 (hg19) VCF-style: chr11-76804777-A-G.
Other names: short protein forms D72G.
Identifiers: ClinVar variation 1355460 (VCV001355460.8), dbSNP rs782205506, ClinGen allele CA6196203.
Genomic context (GRCh38, chr11:77,093,731, plus strand): 5'-CTTCTCCGCAGGGCATCTGCGAGGACCCCCGCCTCTTTGTGGATGGCATCAGCTCCCACG[A>G]CCTGCACCAGGGCCAGGTGGGCAACTGCTGGTTTGTGGCAGCCTGCTCGTCACTTGCCTC-3'
Protein context (NP_004046.2, residues 62-82): RLFVDGISSH[Asp72Gly]LHQGQVGNCW